The following is an entry in ClinVar:

ClinVar aggregate classification (germline): Conflicting classifications of pathogenicity. Review status: criteria provided, conflicting classifications (1 of 4 stars). 3 submissions from 3 submitters: Uncertain significance (1); Likely benign (2). Last evaluated 2026-07-01.

Conditions:
Curry-Hall syndrome (WAD). Also called: WEYERS ACRODENTAL DYSOSTOSIS. Identifiers: Orphanet 952, MedGen C0457013, MONDO:0008673, OMIM 193530.
Ellis-van Creveld syndrome (EVC). Also called: Chondroectodermal dysplasia; MESOECTODERMAL DYSPLASIA. Identifiers: Orphanet 289, MedGen C0013903, MONDO:0009162, OMIM 225500.

Allele frequency attached by ClinVar (database versions not stated): gnomAD exomes below 0.00001; gnomAD 0.00001 and 0.00002; TOPMed 0.00008.

Submissions (3):

CeGaT Center for Human Genetics Tuebingen
Classification: Uncertain significance. Last evaluated: 2026-07-01. Review status: criteria provided, single submitter. Criteria: CeGaT Center For Human Genetics Tuebingen Variant Classification Criteria Version 2. Collection method: clinical testing. Allele origin: germline. Affected: yes. Observed: 1 variant allele.
Comment: EVC2: PM2, BP4

Labcorp Genetics (formerly Invitae), Labcorp
Classification: Likely benign for Curry-Hall syndrome; Ellis-van Creveld syndrome. Last evaluated: 2026-01-12. Review status: criteria provided, single submitter. Criteria: Invitae Variant Classification Sherloc (09022015). Collection method: clinical testing. Allele origin: germline.

ARUP Laboratories, Molecular Genetics and Genomics, ARUP Laboratories
Classification: Likely benign. Last evaluated: 2016-09-19. Review status: criteria provided, single submitter. Criteria: ARUP Molecular Germline Variant Investigation Process. Collection method: clinical testing. Allele origin: germline.

NM_147127.5(EVC2):c.451-7del

Gene: EVC2 (EvC ciliary complex subunit 2; minus strand). Cytogenetic location: 4p16.2.
Variant type: Deletion.
Coding change: c.451-7del on transcript NM_147127.5 (MANE Select); 7 bases into the intron before coding-DNA position 451, one base deleted (A; older notation c.451-7delA).
Molecular consequence: intron variant.
Genome position (GRCh38, 1-based): chr4:5,691,340, T deleted on the plus strand (A on the coding strand, the reverse complement: EVC2 is on the minus strand). VCF-style (leftmost placement, unchanged base first): chr4-5691339-AT-A. GRCh37 (hg19) VCF-style: chr4-5693066-AT-A.
Other names: c.211-7del (NM_001166136.2).
Identifiers: ClinVar variation 439670 (VCV000439670.12), dbSNP rs1290670058, ClinGen allele CA645509145.